The following is an entry in ClinVar:

ClinVar aggregate classification (germline): Likely benign. Review status: criteria provided, multiple submitters, no conflicts (2 of 4 stars). 3 submissions from 3 submitters: Likely benign (3). Last evaluated 2025-01-23.

Allele frequency attached by ClinVar (database versions not stated): gnomAD exomes below 0.00001; TOPMed 0.00001.
gnomAD v4.1: 3 of 1,585,754 alleles (0.00019%); highest among the groups gnomAD compares: East Asian, 0.0023%; no homozygotes.

Submissions (3):

Labcorp Genetics (formerly Invitae), Labcorp
Classification: Likely benign. Last evaluated: 2025-01-23. Review status: criteria provided, single submitter. Criteria: Invitae Variant Classification Sherloc (09022015). Collection method: clinical testing. Allele origin: germline.

Blueprint Genetics
Classification: Likely benign. Last evaluated: 2024-04-08. Review status: criteria provided, single submitter. Criteria: ACMG Guidelines, 2015. Collection method: clinical testing. Allele origin: germline.

CeGaT Center for Human Genetics Tuebingen
Classification: Likely benign. Last evaluated: 2023-02-01. Review status: criteria provided, single submitter. Criteria: CeGaT Center For Human Genetics Tuebingen Variant Classification Criteria Version 2. Collection method: clinical testing. Allele origin: germline. Affected: yes. Observed: 1 variant allele.
Comment: COL11A2: BP4, BP7

NM_080680.3(COL11A2):c.2979A>G (p.Pro993=)

Gene: COL11A2 (collagen type XI alpha 2 chain; minus strand). Cytogenetic location: 6p21.32.
Variant type: single nucleotide variant.
Coding change: c.2979A>G on transcript NM_080680.3 (MANE Select); coding-DNA position 2979, A replaced by G.
Protein change: p.Pro993=; no amino-acid change (proline 993 retained).
Molecular consequence: synonymous variant.
Genome position (GRCh38, 1-based): chr6:33,172,298, T>C on the plus strand (A>G on the coding strand, the complement: COL11A2 is on the minus strand). VCF-style: chr6-33172298-T-C. GRCh37 (hg19) VCF-style: chr6-33140075-T-C.
Other names: c.2799A>G, p.Pro933= (NM_001424108.1); c.2133A>G, p.Pro711= (NM_001424109.1); c.1953A>G, p.Pro651= (NM_001424110.1, NM_001424111.1); c.933A>G, p.Pro311= (NM_001424112.1); c.2658A>G, p.Pro886= (NM_080679.3); c.2721A>G, p.Pro907= (NM_080681.3).
Identifiers: ClinVar variation 2656483 (VCV002656483.28), dbSNP rs924707471, ClinGen allele CA137067809.